The following is an entry in ClinVar:

ClinVar aggregate classification (germline): Uncertain significance. Review status: criteria provided, multiple submitters, no conflicts (2 of 4 stars). 2 submissions from 2 submitters: Uncertain significance (2). Last evaluated 2025-02-22.

Conditions:
Primary familial hypertrophic cardiomyopathy (HCM). Identifiers: Orphanet 99739, MedGen C0949658, MeSH D024741, MONDO:0024573. Inheritance: Various modes of inheritance.

gnomAD v4.1: 15 of 1,614,058 alleles (0.00093%); highest among the groups gnomAD compares: Non-Finnish European, 0.0012%; no homozygotes.

Submissions (2):

Ambry Genetics
Classification: Uncertain significance. Last evaluated: 2025-02-22. Review status: criteria provided, single submitter. Criteria: Ambry Variant Classification Scheme 2023. Collection method: clinical testing. Allele origin: germline.
Comment: The p.M350L variant (also known as c.1048A>C), located in coding exon 10 of the ILK gene, results from an A to C substitution at nucleotide position 1048. The methionine at codon 350 is replaced by leucine, an amino acid with highly similar properties. This amino acid position is conserved. In addition, this alteration is predicted to be deleterious by in silico analysis. Based on the available evidence, the clinical significance of this variant remains unclear.

Labcorp Genetics (formerly Invitae), Labcorp
Classification: Uncertain significance for Primary familial hypertrophic cardiomyopathy. Last evaluated: 2024-10-15. Review status: criteria provided, single submitter. Criteria: Invitae Variant Classification Sherloc (09022015). Collection method: clinical testing. Allele origin: germline.
Comment: This sequence change replaces methionine, which is neutral and non-polar, with leucine, which is neutral and non-polar, at codon 350 of the ILK protein (p.Met350Leu). This variant is present in population databases (no rsID available, gnomAD 0.002%). This variant has not been reported in the literature in individuals affected with ILK-related conditions. An algorithm developed to predict the effect of missense changes on protein structure and function (PolyPhen-2) suggests that this variant is likely to be tolerated. In summary, the available evidence is currently insufficient to determine the role of this variant in disease. Therefore, it has been classified as a Variant of Uncertain Significance.

NM_004517.4(ILK):c.1048A>C (p.Met350Leu)

Genes: TAF10 (TATA-box binding protein associated factor 10; minus strand), ILK (integrin linked kinase; plus strand). Cytogenetic location: 11p15.4.
Variant type: single nucleotide variant.
Coding change: c.1048A>C on transcript NM_004517.4 (MANE Select); coding-DNA position 1048, A replaced by C.
Protein change: p.Met350Leu; replaces methionine 350 with leucine.
Molecular consequence: missense variant. On other transcripts: 3 prime UTR variant (1).
Genome position (GRCh38, 1-based): chr11:6,610,005, A>C. VCF-style: chr11-6610005-A-C. GRCh37 (hg19) VCF-style: chr11-6631236-A-C.
Other names: c.1048A>C, p.Met350Leu (NM_001014794.3, NM_001014795.3); c.865A>C, p.Met289Leu (NM_001278441.2); c.646A>C, p.Met216Leu (NM_001278442.2); c.*917T>G (NM_006284.4); short protein forms M216L, M289L, M350L.
Identifiers: ClinVar variation 3615317 (VCV003615317.3).